The following is an entry in ClinVar:

ClinVar aggregate classification (germline): Uncertain significance (1 of 4 stars; one submission).

gnomAD v4.1: 10 of 1,613,946 alleles (0.00062%); highest among the groups gnomAD compares: Non-Finnish European, 0.00085%; no homozygotes.

Submission:

Athena Diagnostics
Classification: Uncertain significance. Last evaluated: 2024-05-20. Review status: criteria provided, single submitter. Criteria: Athena Diagnostics Criteria. Collection method: clinical testing. Allele origin: unknown.
Comment: Available data are insufficient to determine the clinical significance of the variant at this time. This variant has not been reported in large, multi-ethnic general populations. Polyphen and MutationTaster yielded discordant predictions regarding whether this amino acid change is damaging to the protein.

NM_182961.4(SYNE1):c.21429C>G (p.Asn7143Lys)

Gene: SYNE1 (spectrin repeat containing nuclear envelope protein 1; minus strand). Cytogenetic location: 6q25.2.
Variant type: single nucleotide variant.
Coding change: c.21429C>G on transcript NM_182961.4 (MANE Select); coding-DNA position 21429, C replaced by G.
Protein change: p.Asn7143Lys; replaces asparagine 7143 with lysine.
Molecular consequence: missense variant.
Genome position (GRCh38, 1-based): chr6:152,224,587, G>C on the plus strand (C>G on the coding strand, the complement: SYNE1 is on the minus strand). VCF-style: chr6-152224587-G-C. GRCh37 (hg19) VCF-style: chr6-152545722-G-C.
Other names: c.21216C>G, p.Asn7072Lys (NM_033071.5); short protein forms N7072K, N7143K.
Identifiers: ClinVar variation 3571675 (VCV003571675.1).